The following is an entry in ClinVar:

ClinVar aggregate classification (germline): Uncertain significance (1 of 4 stars; one submission).

gnomAD v4.1: 1 of 1,607,754 alleles (0.000062%); highest among the groups gnomAD compares: Admixed American, 0.0017%; no homozygotes.

Submission:

Labcorp Genetics (formerly Invitae), Labcorp
Classification: Uncertain significance. Last evaluated: 2025-01-14. Review status: criteria provided, single submitter. Criteria: Invitae Variant Classification Sherloc (09022015). Collection method: clinical testing. Allele origin: germline.
Comment: This sequence change replaces glutamic acid, which is acidic and polar, with lysine, which is basic and polar, at codon 493 of the NFKB1 protein (p.Glu493Lys). This variant is present in population databases (no rsID available, gnomAD 0.003%). This variant has not been reported in the literature in individuals affected with NFKB1-related conditions. Invitae Evidence Modeling of protein sequence and biophysical properties (such as structural, functional, and spatial information, amino acid conservation, physicochemical variation, residue mobility, and thermodynamic stability) indicates that this missense variant is not expected to disrupt NFKB1 protein function with a negative predictive value of 80%. Experimental studies have shown that this missense change does not substantially affect NFKB1 function (PMID: 34473196). In summary, the available evidence is currently insufficient to determine the role of this variant in disease. Therefore, it has been classified as a Variant of Uncertain Significance.

Literature cited by the submitters: PubMed 34473196.

NM_003998.4(NFKB1):c.1477G>A (p.Glu493Lys)

Gene: NFKB1 (nuclear factor kappa B subunit 1; plus strand). Cytogenetic location: 4q24.
Variant type: single nucleotide variant.
Coding change: c.1477G>A on transcript NM_003998.4 (MANE Select); coding-DNA position 1477, G replaced by A.
Protein change: p.Glu493Lys; replaces glutamic acid 493 with lysine.
Molecular consequence: missense variant.
Genome position (GRCh38, 1-based): chr4:102,596,314, G>A. VCF-style: chr4-102596314-G-A. GRCh37 (hg19) VCF-style: chr4-103517471-G-A.
Other names: c.1474G>A, p.Glu492Lys (NM_001165412.2, NM_001319226.2, NM_001382627.1); c.1477G>A, p.Glu493Lys (NM_001382625.1, NM_001382626.1); c.1435G>A, p.Glu479Lys (NM_001382628.1); short protein forms E479K, E492K, E493K.
Identifiers: ClinVar variation 3621872 (VCV003621872.2).
Genomic context (GRCh38, chr4:102,596,314, plus strand): 5'-AGCGAGGCCACCGTTGGGAATGGTGAGGTCACTCTAACGTATGCAACAGGAACAAAAGAA[G>A]AGAGTGCTGGAGTTCAGGGTAAGTGAGCACACAAATTACGTTCTGTTGGTTGGCTGGGGA-3'
Protein context (NP_003989.2, residues 483-503): TLTYATGTKE[Glu493Lys]SAGVQDNLFL